The following is an entry in ClinVar:

NM_006946.4(SPTBN2):c.5124G>A (p.Gln1708=)

Gene: SPTBN2 (spectrin beta, non-erythrocytic 2; minus strand). Cytogenetic location: 11q13.2.
Variant type: single nucleotide variant.
Coding change: c.5124G>A on transcript NM_006946.4 (MANE Select); coding-DNA position 5124, G replaced by A.
Protein change: p.Gln1708=; no amino-acid change (glutamine 1708 retained).
Molecular consequence: synonymous variant.
Genome position (GRCh38, 1-based): chr11:66,692,602, C>T on the plus strand (G>A on the coding strand, the complement: SPTBN2 is on the minus strand). VCF-style: chr11-66692602-C-T. GRCh37 (hg19) VCF-style: chr11-66460073-C-T.
Other names: c.5145G>A, p.Gln1715= (NM_001411025.1).
Identifiers: ClinVar variation 3357540 (VCV003357540.1).

ClinVar aggregate classification (germline): Likely benign (0 of 4 stars; one submission).

Conditions:
SPTBN2-related disorder. Also called: SPTBN2-related condition.

Submission:

PreventionGenetics, part of Exact Sciences
Classification: Likely benign for SPTBN2-related condition. Last evaluated: 2024-08-26. Review status: no assertion criteria provided. Collection method: clinical testing. Allele origin: germline.
Comment: This variant is classified as likely benign based on ACMG/AMP sequence variant interpretation guidelines (Richards et al. 2015 PMID: 25741868, with internal and published modifications).